The following is an entry in ClinVar:

NM_000465.4(BARD1):c.1711G>A (p.Val571Ile)

Gene: BARD1 (BRCA1 associated RING domain 1; minus strand). Cytogenetic location: 2q35.
Variant type: single nucleotide variant.
Coding change: c.1711G>A on transcript NM_000465.4 (MANE Select); coding-DNA position 1711, G replaced by A.
Protein change: p.Val571Ile; replaces valine 571 with isoleucine.
Molecular consequence: missense variant. On other transcripts: non-coding transcript variant (3), intron variant (1).
Genome position (GRCh38, 1-based): chr2:214,745,821, C>T on the plus strand (G>A on the coding strand, the complement: BARD1 is on the minus strand). VCF-style: chr2-214745821-C-T. GRCh37 (hg19) VCF-style: chr2-215610545-C-T.
Other names: c.1711G>A (NM_000465.2); c.1654G>A, p.Val552Ile (NM_001282543.2); c.358G>A, p.Val120Ile (NM_001282545.2); c.301G>A, p.Val101Ile (NM_001282548.2); c.365-15313G>A (NM_001282549.2); short protein forms V571I, V552I, V120I, V101I.
Identifiers: ClinVar variation 530126 (VCV000530126.14), dbSNP rs1397595827, ClinGen allele CA350453194.
Genomic context (GRCh38, chr2:214,745,821, plus strand): 5'-TTACTGCAAGCTCACTGAGCATTTTCTGTTGTTCTGAAGACAGCCCACTGCCTATAAGTA[C>T]AAGAGGTCCATCCCTACGCTGCCCAGTGTTCATCTGTTAATATAAAAGGAGATACCAGTG-3'
Protein context (NP_000456.2, residues 561-581): NTGQRRDGPL[Val571Ile]LIGSGLSSEQ

ClinVar aggregate classification (germline): Uncertain significance. Review status: criteria provided, multiple submitters, no conflicts (2 of 4 stars). 3 submissions from 3 submitters: Uncertain significance (3). Last evaluated 2023-08-28.

Conditions:
BARD1-related disorder. Also called: BARD1-related condition.
Hereditary cancer-predisposing syndrome. Also called: Hereditary neoplastic syndrome; Neoplastic Syndromes, Hereditary; Hereditary Cancer Syndrome; Tumor predisposition. Identifiers: Orphanet 140162, MedGen C0027672, MeSH D009386, MONDO:0015356.
Familial cancer of breast. Also called: BREAST CANCER, FAMILIAL; Hereditary breast cancer; hereditary breast carcinoma. Identifiers: Orphanet 227535, MedGen C0346153, MONDO:0016419, OMIM 114480. Disease mechanism: loss of function.

Allele frequency attached by ClinVar (database versions not stated): gnomAD exomes below 0.00001.
gnomAD v4.1: 1 of 1,613,998 alleles (0.000062%); highest among the groups gnomAD compares: Non-Finnish European, 0.000085%; no homozygotes.

Submissions (3):

PreventionGenetics, part of Exact Sciences
Classification: Uncertain significance for BARD1-related condition. Last evaluated: 2023-08-28. Review status: criteria provided, single submitter. Criteria: ACMG Guidelines, 2015. Collection method: clinical testing. Allele origin: germline.
Comment: The BARD1 c.1711G>A variant is predicted to result in the amino acid substitution p.Val571Ile. To our knowledge, this variant has not been reported in the literature or in a large population database, indicating this variant is rare. It is interpreted as uncertain significance in ClinVar. At this time, the clinical significance of this variant is uncertain due to the absence of conclusive functional and genetic evidence.

Labcorp Genetics (formerly Invitae), Labcorp
Classification: Uncertain significance for Familial cancer of breast. Last evaluated: 2023-06-04. Review status: criteria provided, single submitter. Criteria: Invitae Variant Classification Sherloc (09022015). Collection method: clinical testing. Allele origin: germline.
Comment: In summary, the available evidence is currently insufficient to determine the role of this variant in disease. Therefore, it has been classified as a Variant of Uncertain Significance. Algorithms developed to predict the effect of missense changes on protein structure and function output the following: SIFT: "Not Available"; PolyPhen-2: "Benign"; Align-GVGD: "Not Available". The isoleucine amino acid residue is found in multiple mammalian species, which suggests that this missense change does not adversely affect protein function. ClinVar contains an entry for this variant (Variation ID: 530126). This variant has not been reported in the literature in individuals affected with BARD1-related conditions. This variant is not present in population databases (gnomAD no frequency). This sequence change replaces valine, which is neutral and non-polar, with isoleucine, which is neutral and non-polar, at codon 571 of the BARD1 protein (p.Val571Ile).

Ambry Genetics
Classification: Uncertain significance for Hereditary cancer-predisposing syndrome. Last evaluated: 2023-03-17. Review status: criteria provided, single submitter. Criteria: Ambry Variant Classification Scheme 2023. Collection method: clinical testing. Allele origin: germline.
Comment: The p.V571I variant (also known as c.1711G>A), located in coding exon 8 of the BARD1 gene, results from a G to A substitution at nucleotide position 1711. The valine at codon 571 is replaced by isoleucine, an amino acid with highly similar properties. This amino acid position is conserved. In addition, this alteration is predicted to be tolerated by in silico analysis. Since supporting evidence is limited at this time, the clinical significance of this alteration remains unclear.